The following is an entry in ClinVar:

NM_033409.4(SLC52A3):c.1192C>T (p.Leu398Phe)

Gene: SLC52A3 (solute carrier family 52 member 3; minus strand). Cytogenetic location: 20p13.
Variant type: single nucleotide variant.
Coding change: c.1192C>T on transcript NM_033409.4 (MANE Select); coding-DNA position 1192, C replaced by T.
Protein change: p.Leu398Phe; replaces leucine 398 with phenylalanine.
Molecular consequence: missense variant.
Genome position (GRCh38, 1-based): chr20:761,706, G>A on the plus strand (C>T on the coding strand, the complement: SLC52A3 is on the minus strand). VCF-style: chr20-761706-G-A. GRCh37 (hg19) VCF-style: chr20-742350-G-A.
Other names: c.1192C>T, p.Leu398Phe (NM_001370085.1, NM_001370086.1); short protein forms L398F.
Identifiers: ClinVar variation 972174 (VCV000972174.7), dbSNP rs774461829, ClinGen allele CA9724576.

ClinVar aggregate classification (germline): Uncertain significance. Review status: criteria provided, multiple submitters, no conflicts (2 of 4 stars). 3 submissions from 3 submitters: Uncertain significance (3). Last evaluated 2023-01-24.

Conditions:
Inborn genetic diseases. Identifiers: MedGen C0950123, MeSH D030342.
SLC52A3-related disorder. Also called: SLC52A3-related condition.
Brown-Vialetto-van Laere syndrome 1. Also called: BROWN-VIALETTO-VAN LAERE SYNDROME 1, MILD; BULBAR PALSY, PROGRESSIVE, WITH SENSORINEURAL DEAFNESS; PONTOBULBAR PALSY WITH DEAFNESS. Identifiers: Orphanet 572550, Orphanet 97229, MedGen C0796274, MONDO:0024537, OMIM 211530.

Allele frequency attached by ClinVar (database versions not stated): TOPMed 0.00001; gnomAD exomes 0.00002 and 0.00001; ExAC 0.00003; gnomAD 0.00002.
gnomAD v4.1: 23 of 1,613,710 alleles (0.0014%); highest among the groups gnomAD compares: Non-Finnish European, 0.0017%; no homozygotes.

Submissions (3):

PreventionGenetics, part of Exact Sciences
Classification: Uncertain significance for SLC52A3-related condition. Last evaluated: 2023-01-24. Review status: criteria provided, single submitter. Criteria: ACMG Guidelines, 2015. Collection method: clinical testing. Allele origin: germline.
Comment: The SLC52A3 c.1192C>T variant is predicted to result in the amino acid substitution p.Leu398Phe. To our knowledge, this variant has not been reported in the literature. This variant is reported in 0.0040% of alleles in individuals of European (Finnish) descent in gnomAD. At this time, the clinical significance of this variant is uncertain due to the absence of conclusive functional and genetic evidence.

Labcorp Genetics (formerly Invitae), Labcorp
Classification: Uncertain significance for Brown-Vialetto-van Laere syndrome 1. Last evaluated: 2022-07-12. Review status: criteria provided, single submitter. Criteria: Invitae Variant Classification Sherloc (09022015). Collection method: clinical testing. Allele origin: germline.
Comment: This sequence change replaces leucine, which is neutral and non-polar, with phenylalanine, which is neutral and non-polar, at codon 398 of the SLC52A3 protein (p.Leu398Phe). This variant is present in population databases (rs774461829, gnomAD 0.004%). This variant has not been reported in the literature in individuals affected with SLC52A3-related conditions. ClinVar contains an entry for this variant (Variation ID: 972174). Algorithms developed to predict the effect of missense changes on protein structure and function are either unavailable or do not agree on the potential impact of this missense change (SIFT: "Deleterious"; PolyPhen-2: "Possibly Damaging"; Align-GVGD: "Class C0"). In summary, the available evidence is currently insufficient to determine the role of this variant in disease. Therefore, it has been classified as a Variant of Uncertain Significance.

Ambry Genetics
Classification: Uncertain significance for Inborn genetic diseases. Last evaluated: 2021-08-30. Review status: criteria provided, single submitter. Criteria: Ambry Variant Classification Scheme 2023. Collection method: clinical testing. Allele origin: germline.